The following is an entry in ClinVar:

ClinVar aggregate classification (germline): Uncertain significance. Review status: criteria provided, multiple submitters, no conflicts (2 of 4 stars). 2 submissions from 2 submitters: Uncertain significance (2). Last evaluated 2026-01-15.

Allele frequency attached by ClinVar (database versions not stated): gnomAD exomes 0.00003 and 0.00008; gnomAD 0.00005; TOPMed 0.00006; ExAC 0.00008; ESP Exome Variant Server 0.00015.
gnomAD v4.1: 60 of 1,614,088 alleles (0.0037%); highest among the groups gnomAD compares: Non-Finnish European, 0.00034%; no homozygotes.

Submissions (2):

Labcorp Genetics (formerly Invitae), Labcorp
Classification: Uncertain significance. Last evaluated: 2026-01-15. Review status: criteria provided, single submitter. Criteria: Invitae Variant Classification Sherloc (09022015). Collection method: clinical testing. Allele origin: germline.
Comment: This sequence change replaces valine, which is neutral and non-polar, with alanine, which is neutral and non-polar, at codon 109 of the IFNAR2 protein (p.Val109Ala). This variant is present in population databases (rs369715958, gnomAD 0.2%). This variant has not been reported in the literature in individuals affected with IFNAR2-related conditions. ClinVar contains an entry for this variant (Variation ID: 1366629). An algorithm developed to predict the effect of missense changes on protein structure and function (PolyPhen-2) suggests that this variant is likely to be tolerated. In summary, the available evidence is currently insufficient to determine the role of this variant in disease. Therefore, it has been classified as a Variant of Uncertain Significance.

Ambry Genetics
Classification: Uncertain significance. Last evaluated: 2025-12-11. Review status: criteria provided, single submitter. Criteria: Ambry Variant Classification Scheme 2023. Collection method: clinical testing. Allele origin: germline.

NM_001289125.3(IFNAR2):c.326T>C (p.Val109Ala)

Genes: IFNAR2-IL10RB (IFNAR2-IL10RB readthrough; plus strand), IFNAR2 (interferon alpha and beta receptor subunit 2; plus strand). Cytogenetic location: 21q22.11.
Variant type: single nucleotide variant.
Coding change: c.326T>C on transcript NM_001289125.3 (MANE Select); coding-DNA position 326, T replaced by C.
Protein change: p.Val109Ala; replaces valine 109 with alanine.
Molecular consequence: missense variant.
Genome position (GRCh38, 1-based): chr21:33,246,822, T>C. VCF-style: chr21-33246822-T-C. GRCh37 (hg19) VCF-style: chr21-34619127-T-C.
Other names: c.326T>C, p.Val109Ala (NM_000874.5, NM_001289126.2, NM_001289128.2 and 4 more transcripts); c.326T>C (NM_207585.1); short protein forms V109A.
Identifiers: ClinVar variation 1366629 (VCV001366629.10), dbSNP rs369715958, ClinGen allele CA10005621.